The following is an entry in ClinVar:

ClinVar aggregate classification (germline): Likely benign (0 of 4 stars; one submission).

Conditions:
BIRC6-related disorder. Also called: BIRC6-related condition.

Allele frequency attached by ClinVar (database versions not stated): ExAC 0.00002.
gnomAD v4.1: 72 of 1,613,240 alleles (0.0045%); highest among the groups gnomAD compares: Non-Finnish European, 0.0058%; no homozygotes.

Submission:

PreventionGenetics, part of Exact Sciences
Classification: Likely benign for BIRC6-related condition. Last evaluated: 2019-07-24. Review status: no assertion criteria provided. Collection method: clinical testing. Allele origin: germline.
Comment: This variant is classified as likely benign based on ACMG/AMP sequence variant interpretation guidelines (Richards et al. 2015 PMID: 25741868, with internal and published modifications).

NM_016252.4(BIRC6):c.8328A>G (p.Gln2776=)

Gene: BIRC6 (baculoviral IAP repeat containing 6; plus strand). Cytogenetic location: 2p22.3.
Variant type: single nucleotide variant.
Coding change: c.8328A>G on transcript NM_016252.4 (MANE Select); coding-DNA position 8328, A replaced by G.
Protein change: p.Gln2776=; no amino-acid change (glutamine 2776 retained).
Molecular consequence: synonymous variant.
Genome position (GRCh38, 1-based): chr2:32,491,546, A>G. VCF-style: chr2-32491546-A-G. GRCh37 (hg19) VCF-style: chr2-32716613-A-G.
Other names: c.8325A>G, p.Gln2775= (NM_001378125.1).
Identifiers: ClinVar variation 3035907 (VCV003035907.2), dbSNP rs147703050, ClinGen allele CA1604304.